The following is an entry in ClinVar:

ClinVar aggregate classification (germline): Uncertain significance (1 of 4 stars; one submission).

Conditions:
KDM1A-related disorder. Also called: KDM1A-related condition.

Submission:

PreventionGenetics, part of Exact Sciences
Classification: Uncertain significance for KDM1A-related condition. Last evaluated: 2022-09-14. Review status: criteria provided, single submitter. Criteria: ACMG Guidelines, 2015. Collection method: clinical testing. Allele origin: germline.
Comment: The KDM1A c.1418T>C variant is predicted to result in the amino acid substitution p.Val473Ala. To our knowledge, this variant has not been reported in the literature or in a large population database, indicating this variant is rare. At this time, the clinical significance of this variant is uncertain due to the absence of conclusive functional and genetic evidence.

NM_001009999.3(KDM1A):c.1418T>C (p.Val473Ala)

Gene: KDM1A (lysine demethylase 1A; plus strand). Cytogenetic location: 1p36.12.
Variant type: single nucleotide variant.
Coding change: c.1418T>C on transcript NM_001009999.3 (MANE Select); coding-DNA position 1418, T replaced by C.
Protein change: p.Val473Ala; replaces valine 473 with alanine.
Molecular consequence: missense variant.
Genome position (GRCh38, 1-based): chr1:23,071,229, T>C. VCF-style: chr1-23071229-T-C. GRCh37 (hg19) VCF-style: chr1-23397722-T-C.
Other names: c.1346T>C, p.Val449Ala (NM_001363654.2, NM_001410763.1, NM_015013.4); c.1406T>C, p.Val469Ala (NM_001410762.1); short protein forms V449A, V469A, V473A.
Identifiers: ClinVar variation 2636925 (VCV002636925.1), dbSNP rs2522790214, ClinGen allele CA338968059.